The following is an entry in ClinVar:

ClinVar aggregate classification (germline): Uncertain significance (1 of 4 stars; one submission).

Conditions:
Hypercholesterolemia, autosomal dominant, type B (FHCL2). Also called: Hyperlipoproteinemia Type IIb; Familial Hypercholesterolemia Type B; APOLIPOPROTEIN B-100, FAMILIAL DEFECTIVE; APOLIPOPROTEIN B-100, FAMILIAL LIGAND-DEFECTIVE; Familial hypercholesterolemia 2; APOB-Related Familial Hypercholesterolemia, Autosomal Dominant. Identifiers: MedGen C1704417, MONDO:0007751, OMIM 144010.
Familial hypobetalipoproteinemia 1. Also called: Hypobetalipoproteinemia, normotriglyceridemic; Acanthocytosis with hypobetalipoproteinemia; APOB-Related Familial Hypobetalipoproteinemia. Identifiers: MedGen C4551990, MONDO:0014252, OMIM 615558.

Submission:

Labcorp Genetics (formerly Invitae), Labcorp
Classification: Uncertain significance for Familial hypobetalipoproteinemia 1; Hypercholesterolemia, autosomal dominant, type B. Last evaluated: 2023-11-15. Review status: criteria provided, single submitter. Criteria: Invitae Variant Classification Sherloc (09022015). Collection method: clinical testing. Allele origin: germline.
Comment: This sequence change replaces lysine, which is basic and polar, with asparagine, which is neutral and polar, at codon 1661 of the APOB protein (p.Lys1661Asn). This variant is not present in population databases (gnomAD no frequency). This missense change has been observed in individual(s) with clinical features of APOB-related conditions (Invitae). ClinVar contains an entry for this variant (Variation ID: 580239). Advanced modeling of protein sequence and biophysical properties (such as structural, functional, and spatial information, amino acid conservation, physicochemical variation, residue mobility, and thermodynamic stability) performed at Invitae indicates that this missense variant is not expected to disrupt APOB protein function with a negative predictive value of 95%. In summary, the available evidence is currently insufficient to determine the role of this variant in disease. Therefore, it has been classified as a Variant of Uncertain Significance.

NM_000384.3(APOB):c.4983G>C (p.Lys1661Asn)

Gene: APOB (apolipoprotein B; minus strand). Cytogenetic location: 2p24.1.
Variant type: single nucleotide variant.
Coding change: c.4983G>C on transcript NM_000384.3 (MANE Select); coding-DNA position 4983, G replaced by C.
Protein change: p.Lys1661Asn; replaces lysine 1661 with asparagine.
Molecular consequence: missense variant.
Genome position (GRCh38, 1-based): chr2:21,011,885, C>G on the plus strand (G>C on the coding strand, the complement: APOB is on the minus strand). VCF-style: chr2-21011885-C-G. GRCh37 (hg19) VCF-style: chr2-21234757-C-G.
Other names: short protein forms K1661N.
Identifiers: ClinVar variation 580239 (VCV000580239.11), dbSNP rs767169319, ClinGen allele CA346005711.